The following is an entry in ClinVar:

NM_000051.4(ATM):c.4101C>G (p.Asp1367Glu)

Gene: ATM (ATM serine/threonine kinase; plus strand). Cytogenetic location: 11q22.3.
Variant type: single nucleotide variant.
Coding change: c.4101C>G on transcript NM_000051.4 (MANE Select); coding-DNA position 4101, C replaced by G.
Protein change: p.Asp1367Glu; replaces aspartic acid 1367 with glutamic acid.
Molecular consequence: missense variant.
Genome position (GRCh38, 1-based): chr11:108,287,707, C>G. VCF-style: chr11-108287707-C-G. GRCh37 (hg19) VCF-style: chr11-108158434-C-G.
Other names: c.4101C>G, p.Asp1367Glu (NM_001351834.2); short protein forms D1367E.
Identifiers: ClinVar variation 2754315 (VCV002754315.3), dbSNP rs587780623, ClinGen allele CA382528604.
Genomic context (GRCh38, chr11:108,287,707, plus strand): 5'-ATTGATGACGTTACATGAGCCAGCAAATTCTAGTGCCAGTCAGAGCACTGACCTCTGTGA[C>G]TTTTCAGGGTATGTACATTTTAAACTTAGAGAACTAGCTCTAACTTCACAAGTTTTTAAA-3'
Protein context (NP_000042.3, residues 1357-1377): SSASQSTDLC[Asp1367Glu]FSGDLDPAPN

ClinVar aggregate classification (germline): Uncertain significance (1 of 4 stars; one submission).

Conditions:
Ataxia-telangiectasia syndrome (AT). Also called: LOUIS-BAR SYNDROME; AT, COMPLEMENTATION GROUP C; ATAXIA-TELANGIECTASIA, COMPLEMENTATION GROUP A; ATAXIA-TELANGIECTASIA, FRESNO VARIANT; Ataxia-telangiectasia; Cerebello-oculocutaneous telangiectasia. Identifiers: Orphanet 100, MedGen C0004135, MONDO:0008840, OMIM 208900.

gnomAD v4.1: 2 of 1,610,826 alleles (0.00012%); highest among the groups gnomAD compares: Non-Finnish European, 0.00017%; no homozygotes.

Submission:

Labcorp Genetics (formerly Invitae), Labcorp
Classification: Uncertain significance for Ataxia-telangiectasia syndrome. Last evaluated: 2023-08-22. Review status: criteria provided, single submitter. Criteria: Invitae Variant Classification Sherloc (09022015). Collection method: clinical testing. Allele origin: germline.
Comment: In summary, the available evidence is currently insufficient to determine the role of this variant in disease. Therefore, it has been classified as a Variant of Uncertain Significance. Algorithms developed to predict the effect of sequence changes on RNA splicing suggest that this variant may create or strengthen a splice site. Algorithms developed to predict the effect of missense changes on protein structure and function output the following: SIFT: "Not Available"; PolyPhen-2: "Benign"; Align-GVGD: "Not Available". The glutamic acid amino acid residue is found in multiple mammalian species, which suggests that this missense change does not adversely affect protein function. This variant has not been reported in the literature in individuals affected with ATM-related conditions. This variant is not present in population databases (gnomAD no frequency). This sequence change replaces aspartic acid, which is acidic and polar, with glutamic acid, which is acidic and polar, at codon 1367 of the ATM protein (p.Asp1367Glu).